The following is an entry in ClinVar:

ClinVar aggregate classification (germline): Uncertain significance. Review status: criteria provided, multiple submitters, no conflicts (2 of 4 stars). 2 submissions from 2 submitters: Uncertain significance (2). Last evaluated 2024-12-16.

Conditions:
Inborn genetic diseases. Identifiers: MedGen C0950123, MeSH D030342.
Immunodeficiency 35 (IMD35). Also called: HIES WITH ATYPICAL MYCOBACTERIOSIS, AUTOSOMAL RECESSIVE; Susceptibility to infection due to TYK2 deficiency; HYPER-IgE SYNDROME WITH ATYPICAL MYCOBACTERIOSIS, AUTOSOMAL RECESSIVE; TYK2 DEFICIENCY. Identifiers: Orphanet 331226, MedGen C1969086, MONDO:0012682, OMIM 611521.

Allele frequency attached by ClinVar (database versions not stated): gnomAD exomes 0.00002 and 0.00006; gnomAD 0.00007 and 0.00008; TOPMed 0.00010; ExAC 0.00015; ESP Exome Variant Server 0.00018.
gnomAD v4.1: 41 of 1,545,650 alleles (0.0027%); highest among the groups gnomAD compares: Admixed American, 0.018%; no homozygotes.

Submissions (2):

Ambry Genetics
Classification: Uncertain significance for Inborn genetic diseases. Last evaluated: 2024-12-16. Review status: criteria provided, single submitter. Criteria: Ambry Variant Classification Scheme 2023. Collection method: clinical testing. Allele origin: germline.

Labcorp Genetics (formerly Invitae), Labcorp
Classification: Uncertain significance for Immunodeficiency 35. Last evaluated: 2022-08-13. Review status: criteria provided, single submitter. Criteria: Invitae Variant Classification Sherloc (09022015). Collection method: clinical testing. Allele origin: germline.
Comment: This sequence change replaces arginine, which is basic and polar, with cysteine, which is neutral and slightly polar, at codon 679 of the TYK2 protein (p.Arg679Cys). This variant is present in population databases (rs368828208, gnomAD 0.02%). This variant has not been reported in the literature in individuals affected with TYK2-related conditions. ClinVar contains an entry for this variant (Variation ID: 1056129). Algorithms developed to predict the effect of missense changes on protein structure and function are either unavailable or do not agree on the potential impact of this missense change (SIFT: "Not Available"; PolyPhen-2: "Possibly Damaging"; Align-GVGD: "Not Available"). In summary, the available evidence is currently insufficient to determine the role of this variant in disease. Therefore, it has been classified as a Variant of Uncertain Significance.

NM_003331.5(TYK2):c.2035C>T (p.Arg679Cys)

Gene: TYK2 (tyrosine kinase 2; minus strand). Cytogenetic location: 19p13.2.
Variant type: single nucleotide variant.
Coding change: c.2035C>T on transcript NM_003331.5 (MANE Select); coding-DNA position 2035, C replaced by T.
Protein change: p.Arg679Cys; replaces arginine 679 with cysteine.
Molecular consequence: missense variant.
Genome position (GRCh38, 1-based): chr19:10,361,523, G>A on the plus strand (C>T on the coding strand, the complement: TYK2 is on the minus strand). VCF-style: chr19-10361523-G-A. GRCh37 (hg19) VCF-style: chr19-10472199-G-A.
Other names: c.2035C>T (NM_003331.4); c.2035C>T, p.Arg679Cys (NM_001385197.1, NM_001385198.1, NM_001385200.1 and 2 more transcripts); c.1849C>T, p.Arg617Cys (NM_001385199.1); c.1837C>T, p.Arg613Cys (NM_001385201.1); c.1951C>T, p.Arg651Cys (NM_001385202.1); c.1945C>T, p.Arg649Cys (NM_001385205.1); c.1909C>T, p.Arg637Cys (NM_001385206.1); c.2017C>T, p.Arg673Cys (NM_001385207.1); short protein forms R613C, R617C, R637C, R649C, R651C, R673C, R679C.
Identifiers: ClinVar variation 1056129 (VCV001056129.5), dbSNP rs368828208, ClinGen allele CA9193213.